The following is an entry in ClinVar:

NM_000053.4(ATP7B):c.2659G>A (p.Ala887Thr)

Gene: ATP7B (ATPase copper transporting beta; minus strand). Cytogenetic location: 13q14.3.
Variant type: single nucleotide variant.
Coding change: c.2659G>A on transcript NM_000053.4 (MANE Select); coding-DNA position 2659, G replaced by A.
Protein change: p.Ala887Thr; replaces alanine 887 with threonine.
Molecular consequence: missense variant.
Genome position (GRCh38, 1-based): chr13:51,950,078, C>T on the plus strand (G>A on the coding strand, the complement: ATP7B is on the minus strand). VCF-style: chr13-51950078-C-T. GRCh37 (hg19) VCF-style: chr13-52524214-C-T.
Other names: c.2173G>A, p.Ala725Thr (NM_001005918.3); c.2326G>A, p.Ala776Thr (NM_001243182.2); c.2425G>A, p.Ala809Thr (NM_001330578.2); c.2407G>A, p.Ala803Thr (NM_001330579.2); short protein forms A725T, A776T, A887T, A809T, A803T.
Identifiers: ClinVar variation 647202 (VCV000647202.12), dbSNP rs768479687, ClinGen allele CA6988941.

ClinVar aggregate classification (germline): Uncertain significance. Review status: criteria provided, multiple submitters, no conflicts (2 of 4 stars). 4 submissions from 4 submitters: Uncertain significance (3). 1 of the submissions does not count toward it. Last evaluated 2023-12-13.

Conditions:
Wilson disease (WND). Also called: Wilson's disease. Identifiers: Orphanet 905, MedGen C0019202, MONDO:0010200, OMIM 277900. Disease mechanism: loss of function.

Allele frequency attached by ClinVar (database versions not stated): ExAC 0.00001; gnomAD exomes 0.00001; TOPMed 0.00002.
gnomAD v4.1: 28 of 1,614,092 alleles (0.0017%); highest among the groups gnomAD compares: Non-Finnish European, 0.0023%; no homozygotes.

Submissions (4):

All of Us Research Program, National Institutes of Health
Classification: Uncertain significance for Wilson disease. Last evaluated: 2023-12-13. Review status: criteria provided, single submitter. Criteria: ACMG Guidelines, 2015. Collection method: clinical testing. Allele origin: germline. Inheritance: Autosomal recessive inheritance. Observed: 4 variant alleles, 4 heterozygotes.
Comment: This missense variant replaces alanine with threonine at codon 887 of the ATP7B protein. Computational prediction suggests that this variant may have deleterious impact on protein structure and function (internally defined REVEL score threshold >= 0.7, PMID: 27666373). To our knowledge, functional studies have not been reported for this variant. This variant has not been reported in individuals affected with ATP7B-related disorders in the literature. This variant has been identified in 2/249586 chromosomes in the general population by the Genome Aggregation Database (gnomAD). The available evidence is insufficient to determine the role of this variant in disease conclusively. Therefore, this variant is classified as a Variant of Uncertain Significance.

This study involves interpretation of variants in research participants for the purpose of population health screening. Participant phenotype was not available at the time of variant classification. Additional details can be found in publication PMID: 35346344, PMCID: PMC8962531

Labcorp Genetics (formerly Invitae), Labcorp
Classification: Uncertain significance for Wilson disease. Last evaluated: 2023-12-11. Review status: criteria provided, single submitter. Criteria: Invitae Variant Classification Sherloc (09022015). Collection method: clinical testing. Allele origin: germline.
Comment: This sequence change replaces alanine, which is neutral and non-polar, with threonine, which is neutral and polar, at codon 887 of the ATP7B protein (p.Ala887Thr). This variant is present in population databases (rs768479687, gnomAD 0.0009%). This variant has not been reported in the literature in individuals affected with ATP7B-related conditions. ClinVar contains an entry for this variant (Variation ID: 647202). Advanced modeling of protein sequence and biophysical properties (such as structural, functional, and spatial information, amino acid conservation, physicochemical variation, residue mobility, and thermodynamic stability) performed at Invitae indicates that this missense variant is expected to disrupt ATP7B protein function with a positive predictive value of 80%. In summary, the available evidence is currently insufficient to determine the role of this variant in disease. Therefore, it has been classified as a Variant of Uncertain Significance.

Color Diagnostics, LLC DBA Color Health
Classification: Uncertain significance for Wilson disease. Last evaluated: 2023-04-15. Review status: criteria provided, single submitter. Criteria: ACMG Guidelines, 2015. Collection method: clinical testing. Allele origin: germline.
Comment: This missense variant replaces alanine with threonine at codon 887 of the ATP7B protein. Computational prediction suggests that this variant may have deleterious impact on protein structure and function. To our knowledge, functional studies have not been reported for this variant. This variant has not been reported in individuals affected with ATP7B-related disorders in the literature. This variant has been identified in 2/249586 chromosomes in the general population by the Genome Aggregation Database (gnomAD). The available evidence is insufficient to determine the role of this variant in disease conclusively. Therefore, this variant is classified as a Variant of Uncertain Significance.

Natera, Inc.
Classification: Uncertain significance for Wilson disease. Last evaluated: 2020-07-11. Review status: no assertion criteria provided. Collection method: clinical testing. Allele origin: germline. Not counted in ClinVar's aggregate classification.